The following is an entry in ClinVar:

NM_000158.4(GBE1):c.1910G>A (p.Arg637Gln)

Gene: GBE1 (1,4-alpha-glucan branching enzyme 1; minus strand). Cytogenetic location: 3p12.2.
Variant type: single nucleotide variant.
Coding change: c.1910G>A on transcript NM_000158.4 (MANE Select); coding-DNA position 1910, G replaced by A.
Protein change: p.Arg637Gln; replaces arginine 637 with glutamine.
Molecular consequence: missense variant.
Genome position (GRCh38, 1-based): chr3:81,535,219, C>T on the plus strand (G>A on the coding strand, the complement: GBE1 is on the minus strand). VCF-style: chr3-81535219-C-T. GRCh37 (hg19) VCF-style: chr3-81584370-C-T.
Other names: short protein forms R637Q.
Identifiers: ClinVar variation 1919196 (VCV001919196.3), dbSNP rs749994943, ClinGen allele CA2499526.
Genomic context (GRCh38, chr3:81,535,219, plus strand): 5'-GTGGACAGTCATATTCACTGGTAACAAAAAGGATATTTCCCTGGCAATGCTGTTCCAACT[C>T]GGTAGTCAGTGTAGCTCTTGCTTGGATGGAAGTTGAAAATGAAAAGAAGACCTGCTCTTT-3'
Protein context (NP_000149.4, residues 627-647): FHPSKSYTDY[Arg637Gln]VGTALPGKFK

ClinVar aggregate classification (germline): Uncertain significance. Review status: criteria provided, multiple submitters, no conflicts (2 of 4 stars). 2 submissions from 2 submitters: Uncertain significance (2). Last evaluated 2022-09-05.

Conditions:
Glycogen storage disease, type IV (GSD4). Also called: AMYLOPECTINOSIS; ANDERSEN DISEASE; BRANCHER DEFICIENCY; CIRRHOSIS, FAMILIAL, WITH DEPOSITION OF ABNORMAL GLYCOGEN; GBE1 DEFICIENCY; GLYCOGEN BRANCHING ENZYME DEFICIENCY. Identifiers: Orphanet 367, MedGen C0017923, MONDO:0009292, OMIM 232500.
Glycogen storage disease IV, classic hepatic. Also called: GSD IV, CLASSIC HEPATIC. Identifiers: MedGen C1856301.

Allele frequency attached by ClinVar (database versions not stated): gnomAD 0.00001.
gnomAD v4.1: 13 of 1,610,362 alleles (0.00081%); highest among the groups gnomAD compares: South Asian, 0.0044%; no homozygotes.

Submissions (2):

Blueprint Genetics
Classification: Uncertain significance. Last evaluated: 2022-09-05. Review status: criteria provided, single submitter. Criteria: ACMG Guidelines, 2015. Collection method: clinical testing. Allele origin: germline.

Labcorp Genetics (formerly Invitae), Labcorp
Classification: Uncertain significance for Glycogen storage disease, type IV; Glycogen storage disease IV, classic hepatic. Last evaluated: 2022-02-17. Review status: criteria provided, single submitter. Criteria: Invitae Variant Classification Sherloc (09022015). Collection method: clinical testing. Allele origin: germline.
Comment: This sequence change replaces arginine, which is basic and polar, with glutamine, which is neutral and polar, at codon 637 of the GBE1 protein (p.Arg637Gln). This variant is present in population databases (rs749994943, gnomAD 0.01%). This variant has not been reported in the literature in individuals affected with GBE1-related conditions. Advanced modeling of protein sequence and biophysical properties (such as structural, functional, and spatial information, amino acid conservation, physicochemical variation, residue mobility, and thermodynamic stability) performed at Invitae indicates that this missense variant is not expected to disrupt GBE1 protein function. In summary, the available evidence is currently insufficient to determine the role of this variant in disease. Therefore, it has been classified as a Variant of Uncertain Significance.